The following is an entry in ClinVar:

NM_017813.5(BPNT2):c.532dup (p.Ala178fs)

Gene: BPNT2 (3'(2'), 5'-bisphosphate nucleotidase 2; minus strand). Cytogenetic location: 8q12.1.
Variant type: Duplication.
Coding change: c.532dup on transcript NM_017813.5 (MANE Select); coding-DNA position 532, one base duplicated (G; older notation c.532dupG).
Protein change: p.Ala178fs; shifts the reading frame from alanine 178.
Molecular consequence: frameshift variant.
Genome position (GRCh38, 1-based): chr8:56,980,053, C duplicated on the plus strand (G on the coding strand, the reverse complement: BPNT2 is on the minus strand). VCF-style (leftmost placement, unchanged base first): chr8-56980052-G-GC. GRCh37 (hg19) VCF-style: chr8-57892611-G-GC.
Other names: short protein forms A178fs.
Identifiers: ClinVar variation 4714098 (VCV004714098.1).

ClinVar aggregate classification (germline): Pathogenic (1 of 4 stars; one submission).

Submission:

Labcorp Genetics (formerly Invitae), Labcorp
Classification: Pathogenic. Last evaluated: 2025-02-28. Review status: criteria provided, single submitter. Criteria: Invitae Variant Classification Sherloc (09022015). Collection method: clinical testing. Allele origin: germline.
Comment: This sequence change creates a premature translational stop signal (p.Ala178Glyfs*24) in the IMPAD1 gene. It is expected to result in an absent or disrupted protein product. Loss-of-function variants in IMPAD1 are known to be pathogenic (PMID: 21549340, 22887726). This variant is not present in population databases (gnomAD no frequency). This variant has not been reported in the literature in individuals affected with IMPAD1-related conditions. For these reasons, this variant has been classified as Pathogenic.

Literature cited by the submitters: PubMed 21549340; PubMed 22887726.